The following is an entry in ClinVar:

NM_015259.6(ICOSLG):c.898+223G>A

Gene: ICOSLG (inducible T cell costimulator ligand; minus strand). Cytogenetic location: 21q22.3.
Variant type: single nucleotide variant.
Coding change: c.898+223G>A on transcript NM_015259.6 (MANE Select); 223 bases into the intron after coding-DNA position 898, G replaced by A.
Molecular consequence: intron variant.
Genome position (GRCh38, 1-based): chr21:44,229,831, C>T on the plus strand (G>A on the coding strand, the complement: ICOSLG is on the minus strand). VCF-style: chr21-44229831-C-T. GRCh37 (hg19) VCF-style: chr21-45649714-C-T.
Other names: c.898+223G>A (NM_001395918.1, NM_001283050.2); c.817+223G>A (NM_001365759.2); c.547+223G>A (NM_001283051.2); c.643+223G>A (NM_001283052.2).
Identifiers: ClinVar variation 2652737 (VCV002652737.24), dbSNP rs117082851, ClinGen allele CA321495251.

ClinVar aggregate classification (germline): Likely benign (1 of 4 stars; one submission).

Allele frequency attached by ClinVar (database versions not stated): gnomAD exomes 0.00004; gnomAD 0.00010; 1000 Genomes Project 0.00459; ExAC 0.00909.

Submission:

CeGaT Center for Human Genetics Tuebingen
Classification: Likely benign. Last evaluated: 2026-08-01. Review status: criteria provided, single submitter. Criteria: CeGaT Center For Human Genetics Tuebingen Variant Classification Criteria Version 2. Collection method: clinical testing. Allele origin: germline. Affected: yes. Observed: 7 variant alleles.
Comment: ICOSLG: BS2